The following is an entry in ClinVar:

ClinVar aggregate classification (germline): Uncertain significance (1 of 4 stars; one submission).

Allele frequency attached by ClinVar (database versions not stated): gnomAD 0.00001.
gnomAD v4.1: 4 of 1,613,896 alleles (0.00025%); highest among the groups gnomAD compares: African/African-American, 0.0013%; no homozygotes.

Submission:

Labcorp Genetics (formerly Invitae), Labcorp
Classification: Uncertain significance. Last evaluated: 2022-03-09. Review status: criteria provided, single submitter. Criteria: Invitae Variant Classification Sherloc (09022015). Collection method: clinical testing. Allele origin: germline.
Comment: This sequence change replaces glutamine, which is neutral and polar, with arginine, which is basic and polar, at codon 1826 of the CEP250 protein (p.Gln1826Arg). This variant is not present in population databases (gnomAD no frequency). This variant has not been reported in the literature in individuals affected with CEP250-related conditions. Algorithms developed to predict the effect of missense changes on protein structure and function output the following: SIFT: "Not Available"; PolyPhen-2: "Benign"; Align-GVGD: "Not Available". The arginine amino acid residue is found in multiple mammalian species, which suggests that this missense change does not adversely affect protein function. In summary, the available evidence is currently insufficient to determine the role of this variant in disease. Therefore, it has been classified as a Variant of Uncertain Significance.

NM_007186.6(CEP250):c.5477A>G (p.Gln1826Arg)

Gene: CEP250 (centrosomal protein 250; plus strand). Cytogenetic location: 20q11.22.
Variant type: single nucleotide variant.
Coding change: c.5477A>G on transcript NM_007186.6 (MANE Select); coding-DNA position 5477, A replaced by G.
Protein change: p.Gln1826Arg; replaces glutamine 1826 with arginine.
Molecular consequence: missense variant.
Genome position (GRCh38, 1-based): chr20:35,503,846, A>G. VCF-style: chr20-35503846-A-G. GRCh37 (hg19) VCF-style: chr20-34091674-A-G.
Other names: c.3581A>G, p.Gln1194Arg (NM_001318219.1); short protein forms Q1826R, Q1194R.
Identifiers: ClinVar variation 2056901 (VCV002056901.4), dbSNP rs1366486053, ClinGen allele CA408753173.